The following is an entry in ClinVar:

ClinVar aggregate classification (germline): Uncertain significance. Review status: criteria provided, multiple submitters, no conflicts (2 of 4 stars). 4 submissions from 4 submitters: Uncertain significance (3). 1 of the submissions does not count toward it. Last evaluated 2024-11-14.

Conditions:
Charlevoix-Saguenay spastic ataxia (SACS). Also called: AUTOSOMAL RECESSIVE SPASTIC ATAXIA OF CHARLEVOIX-SAGUENAY; SPASTIC ATAXIA 6, AUTOSOMAL RECESSIVE; Spastic ataxia of Charlevoix-Saguenay. Identifiers: Orphanet 98, MedGen C1849140, MONDO:0010041, OMIM 270550.
Inborn genetic diseases. Identifiers: MedGen C0950123, MeSH D030342.

Allele frequency attached by ClinVar (database versions not stated): ExAC 0.00001; gnomAD exomes 0.00001 and 0.00004; gnomAD 0.00002; TOPMed 0.00002.

Submissions (4):

Ambry Genetics
Classification: Uncertain significance for Inborn genetic diseases. Last evaluated: 2024-11-14. Review status: criteria provided, single submitter. Criteria: Ambry Variant Classification Scheme 2023. Collection method: clinical testing. Allele origin: germline.

Athena Diagnostics
Classification: Uncertain significance. Last evaluated: 2024-10-24. Review status: criteria provided, single submitter. Criteria: Athena Diagnostics Criteria. Collection method: clinical testing. Allele origin: unknown.
Comment: Available data are insufficient to determine the clinical significance of the variant at this time. The frequency of this variant in the general population is uninformative in assessment of its pathogenicity. Polyphen and MutationTaster predict this amino acid change may be benign.

Fulgent Genetics
Classification: Uncertain significance for Charlevoix-Saguenay spastic ataxia. Last evaluated: 2022-03-30. Review status: criteria provided, single submitter. Criteria: ACMG Guidelines, 2015. Collection method: clinical testing. Allele origin: unknown.

Mayo Clinic Laboratories, Mayo Clinic
Classification: Uncertain significance. Last evaluated: 2017-06-14. Review status: no assertion criteria provided. Collection method: clinical testing. Allele origin: unknown. Not counted in ClinVar's aggregate classification.

NM_014363.6(SACS):c.11942A>G (p.Gln3981Arg)

Gene: SACS (sacsin molecular chaperone; minus strand). Cytogenetic location: 13q12.12.
Variant type: single nucleotide variant.
Coding change: c.11942A>G on transcript NM_014363.6 (MANE Select); coding-DNA position 11942, A replaced by G.
Protein change: p.Gln3981Arg; replaces glutamine 3981 with arginine.
Molecular consequence: missense variant.
Genome position (GRCh38, 1-based): chr13:23,331,934, T>C on the plus strand (A>G on the coding strand, the complement: SACS is on the minus strand). VCF-style: chr13-23331934-T-C. GRCh37 (hg19) VCF-style: chr13-23906073-T-C.
Other names: c.11501A>G, p.Gln3834Arg (NM_001278055.2); c.11942A>G (NM_014363.4); short protein forms Q3981R, Q3834R.
Identifiers: ClinVar variation 559184 (VCV000559184.10), dbSNP rs747314113, ClinGen allele CA6910200.